The following is an entry in ClinVar:

NM_024675.4(PALB2):c.1489A>C (p.Asn497His)

Gene: PALB2 (partner and localizer of BRCA2; minus strand). Cytogenetic location: 16p12.2.
Variant type: single nucleotide variant.
Coding change: c.1489A>C on transcript NM_024675.4 (MANE Select); coding-DNA position 1489, A replaced by C.
Protein change: p.Asn497His; replaces asparagine 497 with histidine.
Molecular consequence: missense variant.
Genome position (GRCh38, 1-based): chr16:23,635,057, T>G on the plus strand (A>C on the coding strand, the complement: PALB2 is on the minus strand). VCF-style: chr16-23635057-T-G. GRCh37 (hg19) VCF-style: chr16-23646378-T-G.
Other names: short protein forms N497H.
Identifiers: ClinVar variation 630711 (VCV000630711.5), dbSNP rs1567220876, ClinGen allele CA395131102.

ClinVar aggregate classification (germline): Uncertain significance (1 of 4 stars; one submission).

Conditions:
Hereditary cancer-predisposing syndrome. Also called: Tumor predisposition; Neoplastic Syndromes, Hereditary; Hereditary neoplastic syndrome; Hereditary Cancer Syndrome. Identifiers: Orphanet 140162, MedGen C0027672, MeSH D009386, MONDO:0015356.

Submission:

Color Diagnostics, LLC DBA Color Health
Classification: Uncertain significance for Hereditary cancer-predisposing syndrome. Last evaluated: 2023-12-05. Review status: criteria provided, single submitter. Criteria: ACMG Guidelines, 2015. Collection method: clinical testing. Allele origin: germline.
Comment: This missense variant replaces asparagine with histidine at codon 497 of the PALB2 protein. Computational prediction suggests that this variant may not impact protein structure and function (internally defined REVEL score threshold <= 0.5, PMID: 27666373). To our knowledge, functional studies have not been reported for this variant. This variant has not been reported in individuals affected with PALB2-related disorders in the literature. This variant has not been identified in the general population by the Genome Aggregation Database (gnomAD). The available evidence is insufficient to determine the role of this variant in disease conclusively. Therefore, this variant is classified as a Variant of Uncertain Significance.